The following is an entry in ClinVar:

ClinVar aggregate classification (germline): Uncertain significance (1 of 4 stars; one submission).

Conditions:
Familial hemiplegic migraine. Identifiers: MedGen C0338484, MONDO:0000700.

Submission:

Labcorp Genetics (formerly Invitae), Labcorp
Classification: Uncertain significance for Familial hemiplegic migraine. Last evaluated: 2024-06-07. Review status: criteria provided, single submitter. Criteria: Invitae Variant Classification Sherloc (09022015). Collection method: clinical testing. Allele origin: germline.
Comment: This sequence change replaces glutamine, which is neutral and polar, with glutamic acid, which is acidic and polar, at codon 487 of the ATP1A2 protein (p.Gln487Glu). This variant is not present in population databases (gnomAD no frequency). This variant has not been reported in the literature in individuals affected with ATP1A2-related conditions. An algorithm developed to predict the effect of missense changes on protein structure and function (PolyPhen-2) suggests that this variant is likely to be disruptive. Algorithms developed to predict the effect of sequence changes on RNA splicing suggest that this variant may disrupt the consensus splice site. In summary, the available evidence is currently insufficient to determine the role of this variant in disease. Therefore, it has been classified as a Variant of Uncertain Significance.

NM_000702.4(ATP1A2):c.1459C>G (p.Gln487Glu)

Gene: ATP1A2 (ATPase Na+/K+ transporting subunit alpha 2; plus strand). Cytogenetic location: 1q23.2.
Variant type: single nucleotide variant.
Coding change: c.1459C>G on transcript NM_000702.4 (MANE Select); coding-DNA position 1459, C replaced by G.
Protein change: p.Gln487Glu; replaces glutamine 487 with glutamic acid.
Molecular consequence: missense variant.
Genome position (GRCh38, 1-based): chr1:160,129,398, C>G. VCF-style: chr1-160129398-C-G. GRCh37 (hg19) VCF-style: chr1-160099188-C-G.
Other names: short protein forms Q487E.
Identifiers: ClinVar variation 3655840 (VCV003655840.2).